The following is an entry in ClinVar:

ClinVar aggregate classification (germline): Likely benign (1 of 4 stars; one submission).

Allele frequency attached by ClinVar (database versions not stated): gnomAD exomes 0.00001; ExAC 0.00002; gnomAD 0.00007.

Submission:

CeGaT Center for Human Genetics Tuebingen
Classification: Likely benign. Last evaluated: 2025-08-01. Review status: criteria provided, single submitter. Criteria: CeGaT Center For Human Genetics Tuebingen Variant Classification Criteria Version 2. Collection method: clinical testing. Allele origin: germline. Affected: yes. Observed: 4 variant alleles.
Comment: PLIN4: BP4, BP7

NM_001367868.2(PLIN4):c.2770C>T (p.Leu924=)

Gene: PLIN4 (perilipin 4; minus strand). Cytogenetic location: 19p13.3.
Variant type: single nucleotide variant.
Coding change: c.2770C>T on transcript NM_001367868.2 (MANE Select); coding-DNA position 2770, C replaced by T.
Protein change: p.Leu924=; no amino-acid change (leucine 924 retained).
Molecular consequence: synonymous variant.
Genome position (GRCh38, 1-based): chr19:4,511,190, G>A on the plus strand (C>T on the coding strand, the complement: PLIN4 is on the minus strand). VCF-style: chr19-4511190-G-A. GRCh37 (hg19) VCF-style: chr19-4511202-G-A.
Other names: c.2773C>T, p.Leu925= (NM_001393888.1, NM_001393889.1); c.2770C>T, p.Leu924= (NM_001393890.1, NM_001393891.1).
Identifiers: ClinVar variation 2649043 (VCV002649043.24), dbSNP rs752898669, ClinGen allele CA9099885.
Genomic context (GRCh38, chr19:4,511,190, plus strand): 5'-CTTTGGCCACATTTACGGCACCAGTGACTCCACTGCAGACGGTGTCCTTGGTACCGGTCA[G>A]GACAGTCTTGCTGGTGTCCACGCCGGTCTGGACAGTCCCTTTGGCCAAGTTCACAGCCCC-3'
Protein context (NP_001354797.1, residues 914-934): QTGVDTSKTV[Leu924=]TGTKDTVCSG